The following is an entry in ClinVar:

ClinVar aggregate classification (germline): Uncertain significance. Review status: criteria provided, multiple submitters, no conflicts (2 of 4 stars). 4 submissions from 4 submitters: Uncertain significance (4). Last evaluated 2023-05-18.

Conditions:
Alstrom syndrome (ALMS). Identifiers: Orphanet 64, MedGen C0268425, MONDO:0008763, OMIM 203800.
Cardiovascular phenotype. Identifiers: MedGen CN230736.

Allele frequency attached by ClinVar (database versions not stated): gnomAD exomes below 0.00001; gnomAD 0.00001; TOPMed 0.00001.
gnomAD v4.1: 7 of 1,612,970 alleles (0.00043%); highest among the groups gnomAD compares: Non-Finnish European, 0.00059%; no homozygotes.

Submissions (4):

GeneDx
Classification: Uncertain significance. Last evaluated: 2023-05-18. Review status: criteria provided, single submitter. Criteria: GeneDx Variant Classification Process June 2021. Collection method: clinical testing. Allele origin: germline. Affected: yes.
Comment: Not observed at significant frequency in large population cohorts (gnomAD); In silico analysis supports that this missense variant has a deleterious effect on protein structure/function; In silico analysis suggests this variant may impact gene splicing. In the absence of RNA/functional studies, the actual effect of this sequence change is unknown.; Has not been previously published as pathogenic or benign to our knowledge

Ambry Genetics
Classification: Uncertain significance for Cardiovascular phenotype. Last evaluated: 2022-05-12. Review status: criteria provided, single submitter. Criteria: Ambry Variant Classification Scheme 2023. Collection method: clinical testing. Allele origin: germline.
Comment: The p.S248G variant (also known as c.742A>G), located in coding exon 4 of the ALMS1 gene, results from an A to G substitution at nucleotide position 742. The serine at codon 248 is replaced by glycine, an amino acid with similar properties. This amino acid position is well conserved in available vertebrate species. In addition, this alteration is predicted to be tolerated by in silico analysis. Since supporting evidence is limited at this time, the clinical significance of this alteration remains unclear.

Labcorp Genetics (formerly Invitae), Labcorp
Classification: Uncertain significance for Alstrom syndrome. Last evaluated: 2021-12-08. Review status: criteria provided, single submitter. Criteria: Invitae Variant Classification Sherloc (09022015). Collection method: clinical testing. Allele origin: germline.
Comment: This sequence change replaces serine, which is neutral and polar, with glycine, which is neutral and non-polar, at codon 248 of the ALMS1 protein (p.Ser248Gly). This variant is present in population databases (no rsID available, gnomAD 0.01%). This variant has not been reported in the literature in individuals affected with ALMS1-related conditions. Experimental studies and prediction algorithms are not available or were not evaluated, and the functional significance of this variant is currently unknown. In summary, the available evidence is currently insufficient to determine the role of this variant in disease. Therefore, it has been classified as a Variant of Uncertain Significance.

Fulgent Genetics
Classification: Uncertain significance for Alstrom syndrome. Last evaluated: 2021-10-26. Review status: criteria provided, single submitter. Criteria: ACMG Guidelines, 2015. Collection method: clinical testing. Allele origin: unknown.

NM_001378454.1(ALMS1):c.739A>G (p.Ser247Gly)

Gene: ALMS1 (ALMS1 centrosome and basal body associated protein; plus strand). Cytogenetic location: 2p13.1.
Variant type: single nucleotide variant.
Coding change: c.739A>G on transcript NM_001378454.1 (MANE Select); coding-DNA position 739, A replaced by G.
Protein change: p.Ser247Gly; replaces serine 247 with glycine.
Molecular consequence: missense variant.
Genome position (GRCh38, 1-based): chr2:73,422,949, A>G. VCF-style: chr2-73422949-A-G. GRCh37 (hg19) VCF-style: chr2-73650077-A-G.
Other names: c.742A>G, p.Ser248Gly (NM_015120.4); short protein forms S248G, S247G.
Identifiers: ClinVar variation 1416960 (VCV001416960.6), dbSNP rs1055600080, ClinGen allele CA50366259.
Genomic context (GRCh38, chr2:73,422,949, plus strand): 5'-CCTTTGCTGACCTGTTTGACACAAGACCAAGAATTTGCGCCTGATTCTTTATTTCATCAA[A>G]GTGAACTAAGTTTTGCACCTCTGAGGTAGGATGATTTATTTGCATGTAACCTTTCTCACT-3'
Protein context (NP_001365383.1, residues 237-257): EFAPDSLFHQ[Ser247Gly]ELSFAPLRGI